The following is an entry in ClinVar:

ClinVar aggregate classification (germline): Uncertain significance (1 of 4 stars; one submission).

Conditions:
DNA ligase IV deficiency. Identifiers: Orphanet 99812, MedGen C1847827, MONDO:0011686, OMIM 606593.

Allele frequency attached by ClinVar (database versions not stated): gnomAD 0.00001; gnomAD exomes 0.00001; ExAC 0.00002.
gnomAD v4.1: 14 of 1,613,288 alleles (0.00087%); highest among the groups gnomAD compares: Middle Eastern, 0.033%; no homozygotes.

Submission:

Labcorp Genetics (formerly Invitae), Labcorp
Classification: Uncertain significance for DNA ligase IV deficiency. Last evaluated: 2022-01-04. Review status: criteria provided, single submitter. Criteria: Invitae Variant Classification Sherloc (09022015). Collection method: clinical testing. Allele origin: germline.
Comment: This sequence change replaces phenylalanine, which is neutral and non-polar, with serine, which is neutral and polar, at codon 882 of the LIG4 protein (p.Phe882Ser). This variant is present in population databases (rs773300788, gnomAD 0.01%). This variant has not been reported in the literature in individuals affected with LIG4-related conditions. Algorithms developed to predict the effect of missense changes on protein structure and function are either unavailable or do not agree on the potential impact of this missense change (SIFT: "Tolerated"; PolyPhen-2: "Possibly Damaging"; Align-GVGD: "Class C0"). In summary, the available evidence is currently insufficient to determine the role of this variant in disease. Therefore, it has been classified as a Variant of Uncertain Significance.

NM_206937.2(LIG4):c.2645T>C (p.Phe882Ser)

Gene: LIG4 (DNA ligase 4; minus strand). Cytogenetic location: 13q33.3.
Variant type: single nucleotide variant.
Coding change: c.2645T>C on transcript NM_206937.2 (MANE Select); coding-DNA position 2645, T replaced by C.
Protein change: p.Phe882Ser; replaces phenylalanine 882 with serine.
Molecular consequence: missense variant.
Genome position (GRCh38, 1-based): chr13:108,208,624, A>G on the plus strand (T>C on the coding strand, the complement: LIG4 is on the minus strand). VCF-style: chr13-108208624-A-G. GRCh37 (hg19) VCF-style: chr13-108860972-A-G.
Other names: c.2645T>C, p.Phe882Ser (NM_001098268.2, NM_001352598.2, NM_001352599.2 and 6 more transcripts); c.2444T>C, p.Phe815Ser (NM_001330595.2); c.2681T>C, p.Phe894Ser (NM_001352604.2); short protein forms F882S, F894S, F815S.
Identifiers: ClinVar variation 2151630 (VCV002151630.1), dbSNP rs773300788, ClinGen allele CA7043452.